The following is an entry in ClinVar:

NM_004977.3(KCNC3):c.758G>A (p.Gly253Asp)

Genes: KCNC3 (potassium voltage-gated channel subfamily C member 3; minus strand), LOC130064972 (ATAC-STARR-seq lymphoblastoid silent region 10954; plus strand). Cytogenetic location: 19q13.33.
Variant type: single nucleotide variant.
Coding change: c.758G>A on transcript NM_004977.3 (MANE Select); coding-DNA position 758, G replaced by A.
Protein change: p.Gly253Asp; replaces glycine 253 with aspartic acid.
Molecular consequence: missense variant.
Genome position (GRCh38, 1-based): chr19:50,328,325, C>T on the plus strand (G>A on the coding strand, the complement: KCNC3 is on the minus strand). VCF-style: chr19-50328325-C-T. GRCh37 (hg19) VCF-style: chr19-50831582-C-T.
Other names: c.530G>A, p.Gly177Asp (NM_001372305.1); c.758G>A (NM_004977.2); short protein forms G177D, G253D.
Identifiers: ClinVar variation 1417270 (VCV001417270.11), dbSNP rs2037132006, ClinGen allele CA406954129.

ClinVar aggregate classification (germline): Uncertain significance. Review status: criteria provided, multiple submitters, no conflicts (2 of 4 stars). 3 submissions from 3 submitters: Uncertain significance (3). Last evaluated 2024-02-26.

Conditions:
Inborn genetic diseases. Identifiers: MedGen C0950123, MeSH D030342.

Allele frequency attached by ClinVar (database versions not stated): TOPMed below 0.00001; gnomAD 0.00001; gnomAD exomes 0.00001.
gnomAD v4.1: 12 of 1,135,970 alleles (0.0011%); highest among the groups gnomAD compares: African/African-American, 0.0099%; no homozygotes.

Submissions (3):

Labcorp Genetics (formerly Invitae), Labcorp
Classification: Uncertain significance. Last evaluated: 2024-02-26. Review status: criteria provided, single submitter. Criteria: Invitae Variant Classification Sherloc (09022015). Collection method: clinical testing. Allele origin: germline.
Comment: This sequence change replaces glycine, which is neutral and non-polar, with aspartic acid, which is acidic and polar, at codon 253 of the KCNC3 protein (p.Gly253Asp). The frequency data for this variant in the population databases is considered unreliable, as metrics indicate insufficient coverage at this position in the gnomAD database. This variant has not been reported in the literature in individuals affected with KCNC3-related conditions. ClinVar contains an entry for this variant (Variation ID: 1417270). Advanced modeling of protein sequence and biophysical properties (such as structural, functional, and spatial information, amino acid conservation, physicochemical variation, residue mobility, and thermodynamic stability) performed at Invitae indicates that this missense variant is not expected to disrupt KCNC3 protein function with a negative predictive value of 95%. In summary, the available evidence is currently insufficient to determine the role of this variant in disease. Therefore, it has been classified as a Variant of Uncertain Significance.

Blueprint Genetics
Classification: Uncertain significance. Last evaluated: 2022-09-09. Review status: criteria provided, single submitter. Criteria: ACMG Guidelines, 2015. Collection method: clinical testing. Allele origin: germline.

Ambry Genetics
Classification: Uncertain significance for Inborn genetic diseases. Last evaluated: 2022-02-08. Review status: criteria provided, single submitter. Criteria: Ambry Variant Classification Scheme 2023. Collection method: clinical testing. Allele origin: germline.